The following is an entry in ClinVar:

ClinVar aggregate classification (germline): Uncertain significance. Review status: criteria provided, multiple submitters, no conflicts (2 of 4 stars). 2 submissions from 2 submitters: Uncertain significance (2). Last evaluated 2025-06-24.

Conditions:
Cardiac arrhythmia. Also called: Cardiac rhythm disease; Arrhythmia. Identifiers: MedGen C0003811, MONDO:0007263, HP:0011675.

Allele frequency attached by ClinVar (database versions not stated): gnomAD 0.00001; TOPMed 0.00002; gnomAD exomes 0.00003.
gnomAD v4.1: 49 of 1,541,190 alleles (0.0032%); highest among the groups gnomAD compares: African/African-American, 0.0041%; no homozygotes.

Submissions (2):

Color Diagnostics, LLC DBA Color Health
Classification: Uncertain significance for Cardiac arrhythmia. Last evaluated: 2025-06-24. Review status: criteria provided, single submitter. Criteria: ACMG Guidelines, 2015. Collection method: clinical testing. Allele origin: germline.
Comment: This variant is located in the 3' untranslated region of the KCNQ1 gene. To our knowledge, functional studies have not been reported for this variant. This variant has not been reported in individuals affected with KCNQ1-related disorders in the literature. This variant has not been identified in the general population by the Genome Aggregation Database (gnomAD). The available evidence is insufficient to determine the role of this variant in disease conclusively. Therefore, this variant is classified as a Variant of Uncertain Significance.

Blueprint Genetics
Classification: Uncertain significance. Last evaluated: 2024-07-18. Review status: criteria provided, single submitter. Criteria: ACMG Guidelines, 2015. Collection method: clinical testing. Allele origin: germline.

NM_000218.3(KCNQ1):c.*2G>T

Genes: KCNQ1 (potassium voltage-gated channel subfamily Q member 1; plus strand), KCNQ1-AS1 (KCNQ1 antisense RNA 1; minus strand). Cytogenetic location: 11p15.4.
Variant type: single nucleotide variant.
Coding change: c.*2G>T on transcript NM_000218.3 (MANE Select); 2 bases downstream of the stop codon, G replaced by T.
Molecular consequence: 3 prime UTR variant.
Genome position (GRCh38, 1-based): chr11:2,848,005, G>T. VCF-style: chr11-2848005-G-T. GRCh37 (hg19) VCF-style: chr11-2869235-G-T.
Other names: c.*2G>T (NM_001406836.1, NM_001406837.1, NM_001406838.1 and 2 more transcripts).
Identifiers: ClinVar variation 1171329 (VCV001171329.9), dbSNP rs977184677, ClinGen allele CA216345460.